The following is an entry in ClinVar:

ClinVar aggregate classification (germline): Uncertain significance (1 of 4 stars; one submission).

gnomAD v4.1: 2 of 1,613,898 alleles (0.00012%); highest among the groups gnomAD compares: Non-Finnish European, 0.00017%; no homozygotes.

Submission:

CeGaT Center for Human Genetics Tuebingen
Classification: Uncertain significance. Last evaluated: 2025-09-01. Review status: criteria provided, single submitter. Criteria: CeGaT Center For Human Genetics Tuebingen Variant Classification Criteria Version 2. Collection method: clinical testing. Allele origin: germline. Affected: yes. Observed: 1 variant allele.
Comment: ARHGEF10: PM2

NM_014629.4(ARHGEF10):c.2964A>C (p.Arg988Ser)

Gene: ARHGEF10 (Rho guanine nucleotide exchange factor 10; plus strand). Cytogenetic location: 8p23.3.
Variant type: single nucleotide variant.
Coding change: c.2964A>C on transcript NM_014629.4 (MANE Select); coding-DNA position 2964, A replaced by C.
Protein change: p.Arg988Ser; replaces arginine 988 with serine.
Molecular consequence: missense variant.
Genome position (GRCh38, 1-based): chr8:1,929,328, A>C. VCF-style: chr8-1929328-A-C. GRCh37 (hg19) VCF-style: chr8-1877494-A-C.
Other names: c.2850A>C, p.Arg950Ser (NM_001308152.2, NM_001438094.1); c.2964A>C, p.Arg988Ser (NM_001308153.3); c.2967A>C, p.Arg989Ser (NM_001438091.1); c.2847A>C, p.Arg949Ser (NM_001438092.1, NM_001438093.1); short protein forms R1012S, R949S, R950S, R988S, R989S.
Identifiers: ClinVar variation 4281558 (VCV004281558.7).